The following is an entry in ClinVar:

NM_001379610.1(SPINK1):c.38C>T (p.Ala13Val)

Gene: SPINK1 (serine peptidase inhibitor Kazal type 1; minus strand). Cytogenetic location: 5q32.
Variant type: single nucleotide variant.
Coding change: c.38C>T on transcript NM_001379610.1 (MANE Select); coding-DNA position 38, C replaced by T.
Protein change: p.Ala13Val; replaces alanine 13 with valine.
Molecular consequence: missense variant.
Genome position (GRCh38, 1-based): chr5:147,831,540, G>A on the plus strand (C>T on the coding strand, the complement: SPINK1 is on the minus strand). VCF-style: chr5-147831540-G-A. GRCh37 (hg19) VCF-style: chr5-147211103-G-A.
Other names: c.38C>T, p.Ala13Val (NM_001354966.2, NM_003122.5); short protein forms A13V.
Identifiers: ClinVar variation 570672 (VCV000570672.13), dbSNP rs770387107, ClinGen allele CA3494827.

ClinVar aggregate classification (germline): Conflicting classifications of pathogenicity. Review status: criteria provided, conflicting classifications (1 of 4 stars). 4 submissions from 4 submitters: Uncertain significance (3); Likely benign (1). Last evaluated 2025-11-16.

Conditions:
Hereditary pancreatitis (PCTT). Also called: Hereditary chronic pancreatitis; PRSS1-Related Hereditary Pancreatitis. Identifiers: Orphanet 676, MedGen C0238339, MONDO:0008185, OMIM 167800.

Allele frequency attached by ClinVar (database versions not stated): gnomAD exomes below 0.00001; ExAC 0.00001; gnomAD 0.00001; TOPMed 0.00001.
gnomAD v4.1: 20 of 1,613,544 alleles (0.0012%); highest among the groups gnomAD compares: East Asian, 0.0022%; no homozygotes.

Submissions (4):

Labcorp Genetics (formerly Invitae), Labcorp
Classification: Uncertain significance for Hereditary pancreatitis. Last evaluated: 2025-11-16. Review status: criteria provided, single submitter. Criteria: Invitae Variant Classification Sherloc (09022015). Collection method: clinical testing. Allele origin: germline.
Comment: This sequence change replaces alanine, which is neutral and non-polar, with valine, which is neutral and non-polar, at codon 13 of the SPINK1 protein (p.Ala13Val). This variant is present in population databases (rs770387107, gnomAD 0.003%). This variant has not been reported in the literature in individuals affected with SPINK1-related conditions. ClinVar contains an entry for this variant (Variation ID: 570672). An algorithm developed to predict the effect of missense changes on protein structure and function outputs the following: PolyPhen-2: "Benign". The valine amino acid residue is found in multiple mammalian species, which suggests that this missense change does not adversely affect protein function. In summary, the available evidence is currently insufficient to determine the role of this variant in disease. Therefore, it has been classified as a Variant of Uncertain Significance.

Ambry Genetics
Classification: Likely benign for Hereditary pancreatitis. Last evaluated: 2019-12-18. Review status: criteria provided, single submitter. Criteria: Ambry Variant Classification Scheme 2023. Collection method: clinical testing. Allele origin: germline.

Women's Health and Genetics/Laboratory Corporation of America, LabCorp
Classification: Uncertain significance. Last evaluated: 2018-05-31. Review status: criteria provided, single submitter. Criteria: LabCorp Variant Classification Summary - May 2015. Collection method: clinical testing. Allele origin: germline.
Comment: Variant summary: SPINK1 c.38C>T (p.Ala13Val) results in a non-conservative amino acid change in the encoded protein sequence. Four of five in-silico tools predict a benign effect of the variant on protein function. The variant allele was found at a frequency of 4.1e-06 in 245364 control chromosomes (gnomAD). The available data on variant occurrences in the general population are insufficient to allow any conclusion about variant significance. To our knowledge, no occurrence of c.38C>T in individuals affected with Chronic Pancreatitis Risk and no experimental evidence demonstrating its impact on protein function have been reported. No clinical diagnostic laboratories have submitted clinical-significance assessments for this variant to ClinVar after 2014. Based on the evidence outlined above, the variant was classified as uncertain significance.

Illumina Laboratory Services, Illumina
Classification: Uncertain significance for Hereditary pancreatitis. Last evaluated: 2017-04-28. Review status: criteria provided, single submitter. Criteria: ICSL Variant Classification Criteria 13 December 2019. Collection method: clinical testing. Allele origin: germline.